The following is an entry in ClinVar:

ClinVar aggregate classification (germline): Uncertain significance (1 of 4 stars; one submission).

Conditions:
Immunodeficiency 14 (IMD14A). Also called: p110-DELTA-ACTIVATING MUTATION CAUSING SENESCENT T CELLS, LYMPHADENOPATHY, AND IMMUNODEFICIENCY; Activated PI3K Delta Syndrome Type 1 (APDS1); IMMUNODEFICIENCY 14A WITH LYMPHOPROLIFERATION, AUTOSOMAL DOMINANT; ACTIVATED PI3K-DELTA SYNDROME 1. Identifiers: Orphanet 397596, Orphanet 693661, MedGen C5907821, MONDO:0014222, OMIM 615513.

Submission:

Labcorp Genetics (formerly Invitae), Labcorp
Classification: Uncertain significance for Activated PI3K-delta syndrome. Last evaluated: 2019-07-08. Review status: criteria provided, single submitter. Criteria: Invitae Variant Classification Sherloc (09022015). Collection method: clinical testing. Allele origin: germline.
Comment: This variant has not been reported in the literature in individuals with PIK3CD-related conditions. Algorithms developed to predict the effect of missense changes on protein structure and function are either unavailable or do not agree on the potential impact of this missense change (SIFT: "Deleterious"; PolyPhen-2: "Possibly Damaging"; Align-GVGD: "Class C0"). In summary, the available evidence is currently insufficient to determine the role of this variant in disease. Therefore, it has been classified as a Variant of Uncertain Significance. This sequence change replaces asparagine with histidine at codon 41 of the PIK3CD protein (p.Asn41His). The asparagine residue is moderately conserved and there is a small physicochemical difference between asparagine and histidine. This variant is not present in population databases (ExAC no frequency).

NM_005026.5(PIK3CD):c.121A>C (p.Asn41His)

Gene: PIK3CD (phosphatidylinositol-4,5-bisphosphate 3-kinase catalytic subunit delta; plus strand). Cytogenetic location: 1p36.22.
Variant type: single nucleotide variant.
Coding change: c.121A>C on transcript NM_005026.5 (MANE Select); coding-DNA position 121, A replaced by C.
Protein change: p.Asn41His; replaces asparagine 41 with histidine.
Molecular consequence: missense variant.
Genome position (GRCh38, 1-based): chr1:9,710,576, A>C. VCF-style: chr1-9710576-A-C. GRCh37 (hg19) VCF-style: chr1-9770634-A-C.
Other names: c.121A>C, p.Asn41His (NM_001350234.2, NM_001350235.1); short protein forms N41H.
Identifiers: ClinVar variation 943205 (VCV000943205.10), dbSNP rs1647005150, ClinGen allele CA338299610.